The following is an entry in ClinVar:

NM_005045.4(RELN):c.568C>G (p.Pro190Ala)

Gene: RELN (reelin; minus strand). Cytogenetic location: 7q22.1.
Variant type: single nucleotide variant.
Coding change: c.568C>G on transcript NM_005045.4 (MANE Select); coding-DNA position 568, C replaced by G.
Protein change: p.Pro190Ala; replaces proline 190 with alanine.
Molecular consequence: missense variant.
Genome position (GRCh38, 1-based): chr7:103,753,191, G>C on the plus strand (C>G on the coding strand, the complement: RELN is on the minus strand). VCF-style: chr7-103753191-G-C. GRCh37 (hg19) VCF-style: chr7-103393638-G-C.
Other names: c.568C>G, p.Pro190Ala (NM_173054.3); short protein forms P190A.
Identifiers: ClinVar variation 810168 (VCV000810168.47), dbSNP rs1200261994, ClinGen allele CA368930408.
Genomic context (GRCh38, chr7:103,753,191, plus strand): 5'-ACAAGTAGATCAAGTACTAAAGTTAATGACATCAGAGTCTTAAACACTTACCTAGATGTG[G>C]GTGCACAGTGACATCTGTTGGAGCTGAATCAAGAGAGGAAAGAAGAAAGACAACTGATCA-3'
Protein context (NP_005036.2, residues 180-200): QGAPTDVTVH[Pro190Ala]HLAEIHSDSI

ClinVar aggregate classification (germline): Uncertain significance. Review status: criteria provided, multiple submitters, no conflicts (2 of 4 stars). 2 submissions from 2 submitters: Uncertain significance (2). Last evaluated 2022-07-12.

Conditions:
Norman-Roberts syndrome (LIS2). Also called: Lissencephaly 2 (Norman-Roberts type). Identifiers: Orphanet 89844, MedGen C0796089, MONDO:0009760, OMIM 257320.
Familial temporal lobe epilepsy 7. Identifiers: Orphanet 101046, MedGen C4225327, MONDO:0014639, OMIM 616436.

Allele frequency attached by ClinVar (database versions not stated): gnomAD 0.00001; TOPMed 0.00001.
gnomAD v4.1: 3 of 1,613,858 alleles (0.00019%); highest among the groups gnomAD compares: Non-Finnish European, 0.00025%; no homozygotes.

Submissions (2):

Labcorp Genetics (formerly Invitae), Labcorp
Classification: Uncertain significance for Familial temporal lobe epilepsy 7; Norman-Roberts syndrome. Last evaluated: 2022-07-12. Review status: criteria provided, single submitter. Criteria: Invitae Variant Classification Sherloc (09022015). Collection method: clinical testing. Allele origin: germline.
Comment: This sequence change replaces proline, which is neutral and non-polar, with alanine, which is neutral and non-polar, at codon 190 of the RELN protein (p.Pro190Ala). This variant is not present in population databases (gnomAD no frequency). This variant has not been reported in the literature in individuals affected with RELN-related conditions. ClinVar contains an entry for this variant (Variation ID: 810168). Algorithms developed to predict the effect of missense changes on protein structure and function output the following: SIFT: "Tolerated"; PolyPhen-2: "Benign"; Align-GVGD: "Class C0". The alanine amino acid residue is found in multiple mammalian species, which suggests that this missense change does not adversely affect protein function. In summary, the available evidence is currently insufficient to determine the role of this variant in disease. Therefore, it has been classified as a Variant of Uncertain Significance.

CeGaT Center for Human Genetics Tuebingen
Classification: Uncertain significance. Last evaluated: 2019-04-01. Review status: criteria provided, single submitter. Criteria: CeGaT Center For Human Genetics Tuebingen Variant Classification Criteria Version 2. Collection method: clinical testing. Allele origin: germline. Affected: yes. Observed: 1 variant allele.